The following is an entry in ClinVar:

ClinVar aggregate classification (germline): Conflicting classifications of pathogenicity. Review status: criteria provided, conflicting classifications (1 of 4 stars). 6 submissions from 6 submitters: Uncertain significance (5); Likely benign (1). Last evaluated 2024-08-20.

Conditions:
Hereditary nonpolyposis colorectal neoplasms. Identifiers: MedGen C0009405, MeSH D003123.
Hereditary cancer-predisposing syndrome. Also called: Neoplastic Syndromes, Hereditary; Tumor predisposition; Hereditary Cancer Syndrome; Hereditary neoplastic syndrome. Identifiers: Orphanet 140162, MedGen C0027672, MeSH D009386, MONDO:0015356.
Lynch syndrome. Identifiers: Orphanet 144, MedGen C4552100, MONDO:0005835. Disease mechanism: loss of function.
Endometrial carcinoma. Also called: Endometrial carcinoma, somatic. Identifiers: MedGen C0476089, MONDO:0002447, OMIM 608089, HP:0012114.

Allele frequency attached by ClinVar (database versions not stated): gnomAD exomes below 0.00001; ExAC 0.00001; gnomAD 0.00001.
gnomAD v4.1: 4 of 1,613,884 alleles (0.00025%); highest among the groups gnomAD compares: African/African-American, 0.0013%; no homozygotes.

Submissions (6):

Labcorp Genetics (formerly Invitae), Labcorp
Classification: Likely benign for Hereditary nonpolyposis colorectal neoplasms. Last evaluated: 2024-08-20. Review status: criteria provided, single submitter. Criteria: Invitae Variant Classification Sherloc (09022015). Collection method: clinical testing. Allele origin: germline.

Ambry Genetics
Classification: Uncertain significance for Hereditary cancer-predisposing syndrome. Last evaluated: 2024-08-19. Review status: criteria provided, single submitter. Criteria: Ambry Variant Classification Scheme 2023. Collection method: clinical testing. Allele origin: germline.
Comment: The p.L691F variant (also known as c.2071C>T), located in coding exon 4 of the MSH6 gene, results from a C to T substitution at nucleotide position 2071. The leucine at codon 691 is replaced by phenylalanine, an amino acid with highly similar properties. This amino acid position is highly conserved in available vertebrate species. In addition, this alteration is predicted to be deleterious by in silico analysis. Based on the available evidence, the clinical significance of this variant remains unclear.

All of Us Research Program, National Institutes of Health
Classification: Uncertain significance for Lynch syndrome. Last evaluated: 2024-05-14. Review status: criteria provided, single submitter. Criteria: ACMG Guidelines, 2015. Collection method: clinical testing. Allele origin: germline. Inheritance: Autosomal dominant inheritance. Observed: 2 variant alleles, 2 heterozygotes.
Comment: This missense variant replaces leucine with phenylalanine at codon 691 of the MSH6 protein. Computational prediction tools and conservation analyses suggest that this variant may have deleterious impact on the protein function. Computational splicing tools suggest that this variant may not impact RNA splicing. To our knowledge, functional assays have not been performed for this variant nor has this variant been reported in individuals affected with hereditary cancer in the literature. This variant has not been identified in the general population by the Genome Aggregation Database (gnomAD). Available evidence is insufficient to determine the role of this variant in disease conclusively. Therefore, this variant is classified as a Variant of Uncertain Significance.

This study involves interpretation of variants in research participants for the purpose of population health screening. Participant phenotype was not available at the time of variant classification. Additional details can be found in publication PMID: 35346344, PMCID: PMC8962531

Color Diagnostics, LLC DBA Color Health
Classification: Uncertain significance for Hereditary cancer-predisposing syndrome. Last evaluated: 2023-12-05. Review status: criteria provided, single submitter. Criteria: ACMG Guidelines, 2015. Collection method: clinical testing. Allele origin: germline.
Comment: This missense variant replaces leucine with phenylalanine at codon 691 of the MSH6 protein. Computational prediction tools and conservation analyses suggest that this variant may have deleterious impact on the protein function. Computational splicing tools suggest that this variant may not impact RNA splicing. To our knowledge, functional assays have not been performed for this variant nor has this variant been reported in individuals affected with hereditary cancer in the literature. This variant has not been identified in the general population by the Genome Aggregation Database (gnomAD). Available evidence is insufficient to determine the role of this variant in disease conclusively. Therefore, this variant is classified as a Variant of Uncertain Significance.

Baylor Genetics
Classification: Uncertain significance for Endometrial carcinoma. Last evaluated: 2023-09-27. Review status: criteria provided, single submitter. Criteria: ACMG Guidelines, 2015. Collection method: clinical testing. Allele origin: unknown.

GeneDx
Classification: Uncertain significance. Last evaluated: 2021-07-31. Review status: criteria provided, single submitter. Criteria: GeneDx Variant Classification Process June 2021. Collection method: clinical testing. Allele origin: germline. Affected: yes.
Comment: Located in the critical connector domain (Warren 2007, Kansikas 2011) Not observed in large population cohorts (Lek 2016) In silico analysis supports that this missense variant has a deleterious effect on protein structure/function Has not been previously published as pathogenic or benign to our knowledge

NM_000179.3(MSH6):c.2071C>T (p.Leu691Phe)

Gene: MSH6 (mutS homolog 6; plus strand). Cytogenetic location: 2p16.3.
Variant type: single nucleotide variant.
Coding change: c.2071C>T on transcript NM_000179.3 (MANE Select); coding-DNA position 2071, C replaced by T.
Protein change: p.Leu691Phe; replaces leucine 691 with phenylalanine.
Molecular consequence: missense variant.
Genome position (GRCh38, 1-based): chr2:47,800,054, C>T. VCF-style: chr2-47800054-C-T. GRCh37 (hg19) VCF-style: chr2-48027193-C-T.
Other names: c.1681C>T, p.Leu561Phe (NM_001281492.2); c.1165C>T, p.Leu389Phe (NM_001281493.2, NM_001281494.2); short protein forms L389F, L561F, L691F.
Identifiers: ClinVar variation 820638 (VCV000820638.24), dbSNP rs765224443, ClinGen allele CA068445.